The following is an entry in ClinVar:

NC_000022.11:g.20354533T>A

Variant type: single nucleotide variant.
Genome position: GRCh38 VCF-style: chr22-20354533-T-A. GRCh37 (hg19) VCF-style: chr22-20708823-T-A.
Identifiers: ClinVar variation 4534566 (VCV004534566.6).

ClinVar aggregate classification (germline): Likely benign (1 of 4 stars; one submission).

Submission:

CeGaT Center for Human Genetics Tuebingen
Classification: Likely benign. Last evaluated: 2025-10-01. Review status: criteria provided, single submitter. Criteria: CeGaT Center For Human Genetics Tuebingen Variant Classification Criteria Version 2. Collection method: clinical testing. Allele origin: germline. Affected: yes. Observed: 1 variant allele.
Comment: FAM230A: BP4, BP7